The following is an entry in ClinVar:

NM_006096.4(NDRG1):c.112G>A (p.Glu38Lys)

Gene: NDRG1 (N-myc downstream regulated 1; minus strand). Cytogenetic location: 8q24.22.
Variant type: single nucleotide variant.
Coding change: c.112G>A on transcript NM_006096.4 (MANE Select); coding-DNA position 112, G replaced by A.
Protein change: p.Glu38Lys; replaces glutamic acid 38 with lysine.
Molecular consequence: missense variant. On other transcripts: 5 prime UTR variant (2), intron variant (1).
Genome position (GRCh38, 1-based): chr8:133,264,640, C>T on the plus strand (G>A on the coding strand, the complement: NDRG1 is on the minus strand). VCF-style: chr8-133264640-C-T. GRCh37 (hg19) VCF-style: chr8-134276883-C-T.
Other names: c.112G>A, p.Glu38Lys (NM_001135242.2, NM_001374844.1, NM_001374845.1 and 1 more transcripts); c.-87G>A (NM_001258432.2, NM_001374847.1); c.-38-2473G>A (NM_001258433.2); short protein forms E38K.
Identifiers: ClinVar variation 1360869 (VCV001360869.4), dbSNP rs1399039574, ClinGen allele CA372256610.

ClinVar aggregate classification (germline): Uncertain significance (1 of 4 stars; one submission).

Conditions:
Charcot-Marie-Tooth disease type 4. Also called: Charcot-Marie-Tooth, Type 4; Charcot-Marie-Tooth disease, type IV. Identifiers: Orphanet 64749, MedGen C4082197, MONDO:0018995.

Allele frequency attached by ClinVar (database versions not stated): gnomAD exomes 0.00001.

Submission:

Labcorp Genetics (formerly Invitae), Labcorp
Classification: Uncertain significance for Charcot-Marie-Tooth disease type 4. Last evaluated: 2025-02-24. Review status: criteria provided, single submitter. Criteria: Invitae Variant Classification Sherloc (09022015). Collection method: clinical testing. Allele origin: germline.
Comment: This sequence change replaces glutamic acid, which is acidic and polar, with lysine, which is basic and polar, at codon 38 of the NDRG1 protein (p.Glu38Lys). This variant is present in population databases (no rsID available, gnomAD 0.006%). This variant has not been reported in the literature in individuals affected with NDRG1-related conditions. ClinVar contains an entry for this variant (Variation ID: 1360869). Invitae Evidence Modeling of protein sequence and biophysical properties (such as structural, functional, and spatial information, amino acid conservation, physicochemical variation, residue mobility, and thermodynamic stability) indicates that this missense variant is not expected to disrupt NDRG1 protein function with a negative predictive value of 80%. In summary, the available evidence is currently insufficient to determine the role of this variant in disease. Therefore, it has been classified as a Variant of Uncertain Significance.